The following is an entry in ClinVar:

ClinVar aggregate classification (germline): Pathogenic. Review status: criteria provided, multiple submitters, no conflicts (2 of 4 stars). 4 submissions from 4 submitters: Pathogenic (4). Last evaluated 2025-11-18.

Conditions:
Ataxia-telangiectasia syndrome (AT). Also called: Cerebello-oculocutaneous telangiectasia; Immunodeficiency with ataxia telangiectasia; Ataxia telangiectasia (A-T); Ataxia-telangiectasia, complementation group E; LOUIS-BAR SYNDROME; Ataxia-telangiectasia. Identifiers: Orphanet 100, MedGen C0004135, MONDO:0008840, OMIM 208900.
Hereditary cancer-predisposing syndrome. Also called: Hereditary neoplastic syndrome; Tumor predisposition; Hereditary Cancer Syndrome; Neoplastic Syndromes, Hereditary. Identifiers: Orphanet 140162, MedGen C0027672, MeSH D009386, MONDO:0015356.
Familial cancer of breast. Also called: hereditary breast carcinoma; BREAST CANCER, FAMILIAL; Hereditary breast cancer. Identifiers: Orphanet 227535, MedGen C0346153, MONDO:0016419, OMIM 114480. Disease mechanism: loss of function.

Submissions (4):

Labcorp Genetics (formerly Invitae), Labcorp
Classification: Pathogenic for Ataxia-telangiectasia syndrome. Last evaluated: 2025-11-18. Review status: criteria provided, single submitter. Criteria: Invitae Variant Classification Sherloc (09022015). Collection method: clinical testing. Allele origin: germline.
Comment: This sequence change creates a premature translational stop signal (p.Phe1174Profs*6) in the ATM gene. It is expected to result in an absent or disrupted protein product. Loss-of-function variants in ATM are known to be pathogenic (PMID: 23807571, 25614872). This variant is not present in population databases (gnomAD no frequency). This variant has not been reported in the literature in individuals affected with ATM-related conditions. ClinVar contains an entry for this variant (Variation ID: 575278). Algorithms developed to predict the effect of sequence changes on RNA splicing suggest that this variant may disrupt the consensus splice site. For these reasons, this variant has been classified as Pathogenic.

Ambry Genetics
Classification: Pathogenic for Hereditary cancer-predisposing syndrome. Last evaluated: 2024-11-25. Review status: criteria provided, single submitter. Criteria: Ambry Variant Classification Scheme 2023. Collection method: clinical testing. Allele origin: germline.
Comment: The c.3520_3523delTTTG pathogenic mutation, located in coding exon 23 of the ATM gene, results from a deletion of 4 nucleotides at nucleotide positions 3520 to 3523, causing a translational frameshift with a predicted alternate stop codon (p.F1174Pfs*6). This alteration was identified in an individual diagnosed with ataxia telangiectasia (Micol R et al. J Allergy Clin Immunol, 2011 Aug;128:382-9.e1). This variant is considered to be rare based on population cohorts in the Genome Aggregation Database (gnomAD). This alteration is expected to result in loss of function by premature protein truncation or nonsense-mediated mRNA decay. As such, this alteration is interpreted as a disease-causing mutation.

Myriad Genetics, Inc.
Classification: Pathogenic for Familial cancer of breast. Last evaluated: 2024-01-22. Review status: criteria provided, single submitter. Criteria: Myriad Autosomal Dominant, Autosomal Recessive and X-Linked Classification Criteria (2023). Collection method: clinical testing. Allele origin: unknown.
Comment: This variant is considered pathogenic. This variant creates a frameshift predicted to result in premature protein truncation.

Baylor Genetics
Classification: Pathogenic for Familial cancer of breast. Last evaluated: 2023-11-29. Review status: criteria provided, single submitter. Criteria: ACMG Guidelines, 2015. Collection method: clinical testing. Allele origin: unknown.

Literature cited by the submitters: PubMed 23807571 (cited by Labcorp Genetics (formerly Invitae), Labcorp); PubMed 25614872 (cited by Labcorp Genetics (formerly Invitae), Labcorp); PubMed 21665257 (cited by Ambry Genetics).

NM_000051.4(ATM):c.3520_3523del (p.Phe1174fs)

Gene: ATM (ATM serine/threonine kinase; plus strand). Cytogenetic location: 11q22.3.
Variant type: Microsatellite.
Coding change: c.3520_3523del on transcript NM_000051.4 (MANE Select); coding-DNA positions 3520 to 3523, 4 bases deleted (TTTG; older notation c.3520_3523delTTTG).
Protein change: p.Phe1174fs; shifts the reading frame from phenylalanine 1174.
Molecular consequence: frameshift variant.
Genome position (GRCh38, 1-based): chr11:108,281,112-108,281,115, TTTG deleted; deleting any 4 consecutive bases within chr11:108,281,108-108,281,115 gives the same sequence; the c. name uses the placement nearest the transcript's 3' end. VCF-style (leftmost placement, unchanged base first): chr11-108281107-CTTTG-C. GRCh37 (hg19) VCF-style: chr11-108151834-CTTTG-C.
Other names: c.3520_3523delTTTG (NM_000051.3); c.3520_3523del, p.Phe1174fs (NM_001351834.2); short protein forms F1174fs.
Identifiers: ClinVar variation 575278 (VCV000575278.13), dbSNP rs1394502687, ClinGen allele CA671363986.
Genomic context (GRCh38, chr11:108,281,107, plus strand): 5'-CTGTTTTACTGACGTTGATAGCTGTGGTTTTATCCTGTAGCCCTATCTGCGAAAAACAGG[CTTTG>C]TTTGCCCTGTGTAAATCTGTGAAAGAGAATGGATTAGAACCTCACCTTGTGAAAAAGGTA-3'